The following is an entry in ClinVar:

NM_000038.6(APC):c.3775A>T (p.Ile1259Leu)

Gene: APC (APC regulator of Wnt signaling pathway; plus strand). Cytogenetic location: 5q22.2.
Variant type: single nucleotide variant.
Coding change: c.3775A>T on transcript NM_000038.6 (MANE Select); coding-DNA position 3775, A replaced by T.
Protein change: p.Ile1259Leu; replaces isoleucine 1259 with leucine.
Molecular consequence: missense variant.
Genome position (GRCh38, 1-based): chr5:112,839,369, A>T. VCF-style: chr5-112839369-A-T. GRCh37 (hg19) VCF-style: chr5-112175066-A-T.
Other names: c.3775A>T, p.Ile1259Leu (NM_001127510.3, NM_001354895.2); c.3721A>T, p.Ile1241Leu (NM_001127511.3); c.3829A>T, p.Ile1277Leu (NM_001354896.2); c.3805A>T, p.Ile1269Leu (NM_001354897.2); c.3700A>T, p.Ile1234Leu (NM_001354898.2); c.3691A>T, p.Ile1231Leu (NM_001354899.2); c.3652A>T, p.Ile1218Leu (NM_001354900.2); c.3598A>T, p.Ile1200Leu (NM_001354901.2); and 5 more; short protein forms I1241L, I1259L, I1133L, I1269L, I1234L, I1277L, I976L, I1099L.
Identifiers: ClinVar variation 495359 (VCV000495359.10), dbSNP rs762391822, ClinGen allele CA16029612.

ClinVar aggregate classification (germline): Uncertain significance. Review status: criteria provided, multiple submitters, no conflicts (2 of 4 stars). 4 submissions from 4 submitters: Uncertain significance (4). Last evaluated 2025-07-23.

Conditions:
Hereditary cancer-predisposing syndrome. Also called: Hereditary neoplastic syndrome; Tumor predisposition; Hereditary Cancer Syndrome; Neoplastic Syndromes, Hereditary. Identifiers: Orphanet 140162, MedGen C0027672, MeSH D009386, MONDO:0015356.
Familial adenomatous polyposis 1 (FAP1). Also called: FAMILIAL ADENOMATOUS POLYPOSIS 1, ATTENUATED; POLYPOSIS, ADENOMATOUS INTESTINAL. Identifiers: MedGen C2713442, MONDO:0021056, OMIM 175100. Disease mechanism: loss of function.

Submissions (4):

Color Diagnostics, LLC DBA Color Health
Classification: Uncertain significance for Hereditary cancer-predisposing syndrome. Last evaluated: 2025-07-23. Review status: criteria provided, single submitter. Criteria: ACMG Guidelines, 2015. Collection method: clinical testing. Allele origin: germline.
Comment: This missense variant replaces isoleucine with leucine at codon 1259 of the APC protein. Computational prediction suggests that this variant may not impact protein structure and function. To our knowledge, functional studies have not been reported for this variant. This variant has been reported in an individual affected with familial polyposis in the literature (PMID:30272267). This variant has not been identified in the general population by the Genome Aggregation Database (gnomAD). The available evidence is insufficient to determine the role of this variant in disease conclusively. Therefore, this variant is classified as a Variant of Uncertain Significance.

Labcorp Genetics (formerly Invitae), Labcorp
Classification: Uncertain significance for Familial adenomatous polyposis 1. Last evaluated: 2024-09-18. Review status: criteria provided, single submitter. Criteria: Invitae Variant Classification Sherloc (09022015). Collection method: clinical testing. Allele origin: germline.
Comment: This sequence change replaces isoleucine, which is neutral and non-polar, with leucine, which is neutral and non-polar, at codon 1259 of the APC protein (p.Ile1259Leu). This variant is not present in population databases (gnomAD no frequency). This missense change has been observed in individual(s) with familial adenomatous polyposis (PMID: 30272267). ClinVar contains an entry for this variant (Variation ID: 495359). Invitae Evidence Modeling of protein sequence and biophysical properties (such as structural, functional, and spatial information, amino acid conservation, physicochemical variation, residue mobility, and thermodynamic stability) indicates that this missense variant is not expected to disrupt APC protein function with a negative predictive value of 95%. In summary, the available evidence is currently insufficient to determine the role of this variant in disease. Therefore, it has been classified as a Variant of Uncertain Significance.

Baylor Genetics
Classification: Uncertain significance for Familial adenomatous polyposis 1. Last evaluated: 2023-12-19. Review status: criteria provided, single submitter. Criteria: ACMG Guidelines, 2015. Collection method: clinical testing. Allele origin: unknown.

Women's Health and Genetics/Laboratory Corporation of America, LabCorp
Classification: Uncertain significance. Last evaluated: 2016-05-09. Review status: criteria provided, single submitter. Criteria: LabCorp Variant Classification Summary - May 2015. Collection method: clinical testing. Allele origin: germline.
Comment: Variant summary: The APC c.3775A>T (p.Ile1259Leu) variant involves the alteration of a conserved nucleotide, resulting in a missense change at Ile1259 to Leu. Ile1259 lies in the DNA repair inhibitory domain; this domain is involved in the regulation of the base excision repair (BER) pathway. APC blocks Pol--directed BER by blocking the dRP-lyase and strand-displacement activities of Pol- (PMID:26334567). Using site-directed mutagenesis, the APC amino acid residues Ile1259 and Tyr1262 have been shown to be important for the interaction and functional activity of Pol-. However, this particular missense change, Ile1259Leu was not studied (I1259A was examined; PMID:17176113). 3/4 in silico tools predict a benign outcome (SNPs&GO not captured due to low reliability index). However, this variant has not been evaluated for functional impact by in vivo/vitro studies.This variant was absent in 120528 control chromosomes. The variant of interest has not, to our knowledge, been reported in affected individuals via publications and/or reputable databases/clinical diagnostic laboratories. Because of the absence of clinical information and the lack of functional studies, the variant was classified as a variant of uncertain significance (VUS) until additional information becomes available.

Literature cited by the submitters: PubMed 30272267 (cited by Color Diagnostics, LLC DBA Color Health and Labcorp Genetics (formerly Invitae), Labcorp).